The following is an entry in ClinVar:

ClinVar aggregate classification (germline): Uncertain significance. Review status: criteria provided, single submitter (1 of 4 stars). 3 submissions from 3 submitters: Uncertain significance (1). 2 of the submissions do not count toward it. Last evaluated 2025-11-21.

Allele frequency attached by ClinVar (database versions not stated): gnomAD 0.00009; TOPMed 0.00009; gnomAD exomes 0.00012 and 0.00022; ESP Exome Variant Server 0.00031; ExAC 0.00034.
gnomAD v4.1: 195 of 1,614,182 alleles (0.012%); highest among the groups gnomAD compares: Non-Finnish European, 0.013%; no homozygotes.

Submissions (3):

Labcorp Genetics (formerly Invitae), Labcorp
Classification: Uncertain significance. Last evaluated: 2025-11-21. Review status: criteria provided, single submitter. Criteria: Invitae Variant Classification Sherloc (09022015). Collection method: clinical testing. Allele origin: germline.
Comment: This sequence change replaces arginine, which is basic and polar, with histidine, which is basic and polar, at codon 208 of the LIPC protein (p.Arg208His). This variant is present in population databases (rs200684324, gnomAD 0.04%). This missense change has been observed in individual(s) with hepatic lipase deficiency (PMID: 9050773). This variant is also known as R186H. ClinVar contains an entry for this variant (Variation ID: 1284577). Invitae Evidence Modeling of protein sequence and biophysical properties (such as structural, functional, and spatial information, amino acid conservation, physicochemical variation, residue mobility, and thermodynamic stability) indicates that this missense variant is expected to disrupt LIPC protein function with a positive predictive value of 80%. Experimental studies have shown that this missense change affects LIPC function (PMID: 9050773). In summary, the available evidence is currently insufficient to determine the role of this variant in disease. Therefore, it has been classified as a Variant of Uncertain Significance.

Clinical Genetics, Academic Medical Center
Classification: Likely pathogenic. Review status: no assertion criteria provided. Collection method: clinical testing. Allele origin: germline. Affected: yes. Study: VKGL Data-share Consensus. Not counted in ClinVar's aggregate classification.

Diagnostic Laboratory, Department of Genetics, University Medical Center Groningen
Classification: Likely pathogenic. Review status: no assertion criteria provided. Collection method: clinical testing. Allele origin: germline. Affected: yes. Study: VKGL Data-share Consensus. Not counted in ClinVar's aggregate classification.

Literature cited by the submitters: PubMed 9050773 (cited by Labcorp Genetics (formerly Invitae), Labcorp).

NM_000236.3(LIPC):c.623G>A (p.Arg208His)

Gene: LIPC (lipase C, hepatic type; plus strand). Cytogenetic location: 15q21.3.
Variant type: single nucleotide variant.
Coding change: c.623G>A on transcript NM_000236.3 (MANE Select); coding-DNA position 623, G replaced by A.
Protein change: p.Arg208His; replaces arginine 208 with histidine.
Molecular consequence: missense variant.
Genome position (GRCh38, 1-based): chr15:58,545,790, G>A. VCF-style: chr15-58545790-G-A. GRCh37 (hg19) VCF-style: chr15-58837989-G-A.
Other names: short protein forms R208H.
Identifiers: ClinVar variation 1284577 (VCV001284577.4), dbSNP rs200684324, ClinGen allele CA7584946.